The following is an entry in ClinVar:

NM_004064.5(CDKN1B):c.285dup (p.Lys96fs)

Gene: CDKN1B (cyclin dependent kinase inhibitor 1B; plus strand). Cytogenetic location: 12p13.1.
Variant type: Duplication.
Coding change: c.285dup on transcript NM_004064.5 (MANE Select); coding-DNA position 285, one base duplicated (C; older notation c.285dupC).
Protein change: p.Lys96fs; shifts the reading frame from lysine 96.
Molecular consequence: frameshift variant.
Genome position (GRCh38, 1-based): chr12:12,718,124, C duplicated; the last of 6 consecutive C bases (chr12:12,718,119-12,718,124); duplicating any one gives the same sequence. VCF-style (leftmost placement, unchanged base first): chr12-12718118-G-GC. GRCh37 (hg19) VCF-style: chr12-12871052-G-GC.
Other names: c.285dupC (NM_004064.4); short protein forms K96fs.
Identifiers: ClinVar variation 536843 (VCV000536843.11), dbSNP rs1555085575, ClinGen allele CA478845509.

ClinVar aggregate classification (germline): Pathogenic/Likely pathogenic. Review status: criteria provided, multiple submitters, no conflicts (2 of 4 stars). 3 submissions from 3 submitters: Pathogenic (2); Likely pathogenic (1). Last evaluated 2025-12-14.

Conditions:
Multiple endocrine neoplasia type 4. Also called: MULTIPLE ENDOCRINE NEOPLASIA, TYPE IV. Identifiers: Orphanet 276152, MedGen C1970712, MONDO:0012552, OMIM 610755.
CDKN1B-related disorder. Also called: CDKN1B-related condition.
Hereditary cancer-predisposing syndrome. Also called: Neoplastic Syndromes, Hereditary; Tumor predisposition; Hereditary Cancer Syndrome; Hereditary neoplastic syndrome. Identifiers: Orphanet 140162, MedGen C0027672, MeSH D009386, MONDO:0015356.

Submissions (3):

Labcorp Genetics (formerly Invitae), Labcorp
Classification: Pathogenic for Multiple endocrine neoplasia type 4. Last evaluated: 2025-12-14. Review status: criteria provided, single submitter. Criteria: Invitae Variant Classification Sherloc (09022015). Collection method: clinical testing. Allele origin: germline.
Comment: This sequence change creates a premature translational stop signal (p.Lys96Glnfs*29) in the CDKN1B gene. It is expected to result in an absent or disrupted protein product. Loss-of-function variants in CDKN1B are known to be pathogenic (PMID: 17030811, 24819502). This variant is not present in population databases (gnomAD no frequency). This premature translational stop signal has been observed in individual(s) with clinical features of multiple endocrine neoplasia type 4 (PMID: 32052251). ClinVar contains an entry for this variant (Variation ID: 536843). For these reasons, this variant has been classified as Pathogenic.

Ambry Genetics
Classification: Pathogenic for Hereditary cancer-predisposing syndrome. Last evaluated: 2024-10-31. Review status: criteria provided, single submitter. Criteria: Ambry Variant Classification Scheme 2023. Collection method: clinical testing. Allele origin: germline.
Comment: The c.285dupC pathogenic mutation, located in coding exon 1 of the CDKN1B gene, results from a duplication of C at nucleotide position 285, causing a translational frameshift with a predicted alternate stop codon (p.K96Qfs*29). This variant has been reported in a patient with primary hyperthyroidism, who also had prostate cancer and Neurofibromatosis type 1 (Brock P et al. Fam Cancer, 2020 04;19:189-192). This variant is considered to be rare based on population cohorts in the Genome Aggregation Database (gnomAD). In addition to the clinical data presented in the literature, this alteration is expected to result in loss of function by premature protein truncation or nonsense-mediated mRNA decay. As such, this alteration is interpreted as a disease-causing mutation.

Blueprint Genetics
Classification: Likely pathogenic for CDKN1B-related disorders. Last evaluated: 2024-10-10. Review status: criteria provided, single submitter. Criteria: ACMG Guidelines, 2015. Collection method: clinical testing. Allele origin: germline. Affected: yes. Observed: 1 variant allele.

Literature cited by the submitters: PubMed 17030811 (cited by Labcorp Genetics (formerly Invitae), Labcorp); PubMed 24819502 (cited by Labcorp Genetics (formerly Invitae), Labcorp); PubMed 32052251 (cited by Labcorp Genetics (formerly Invitae), Labcorp and Ambry Genetics).